The following is an entry in ClinVar:

NM_006502.3(POLH):c.458G>A (p.Gly153Asp)

Gene: POLH (DNA polymerase eta; plus strand). Cytogenetic location: 6p21.1.
Variant type: single nucleotide variant.
Coding change: c.458G>A on transcript NM_006502.3 (MANE Select); coding-DNA position 458, G replaced by A.
Protein change: p.Gly153Asp; replaces glycine 153 with aspartic acid.
Molecular consequence: missense variant. On other transcripts: intron variant (1).
Genome position (GRCh38, 1-based): chr6:43,587,457, G>A. VCF-style: chr6-43587457-G-A. GRCh37 (hg19) VCF-style: chr6-43555194-G-A.
Other names: c.458G>A, p.Gly153Asp (NM_001291970.2); c.118+4316G>A (NM_001291969.2); short protein forms G153D.
Identifiers: ClinVar variation 908774 (VCV000908774.7), dbSNP rs367709714, ClinGen allele CA3826975.
Genomic context (GRCh38, chr6:43,587,457, plus strand): 5'-AAGGTCAGCCTATCTCGGCAGACTTGTTGCCAAGCACTTACATTGAAGGGTTGCCCCAAG[G>A]CCCTACAACGGCAGAAGAGACTGTTCAGAAAGGTACTTCCATAGCATCATACTGCTTCTG-3'
Protein context (NP_006493.1, residues 143-163): PSTYIEGLPQ[Gly153Asp]PTTAEETVQK

ClinVar aggregate classification (germline): Uncertain significance. Review status: criteria provided, multiple submitters, no conflicts (2 of 4 stars). 3 submissions from 3 submitters: Uncertain significance (3). Last evaluated 2025-04-21.

Conditions:
Xeroderma pigmentosum variant type. Also called: PHOTOSENSITIVITY WITH DEFECTIVE DNA SYNTHESIS; POLH-Related Xeroderma Pigmentosum; XERODERMA PIGMENTOSUM WITH NORMAL DNA REPAIR RATES. Identifiers: Orphanet 90342, MedGen C1848410, MONDO:0010214, OMIM 278750.

Allele frequency attached by ClinVar (database versions not stated): ExAC 0.00003; gnomAD 0.00002 and 0.00003; gnomAD exomes 0.00004 and 0.00003; TOPMed 0.00006; ESP Exome Variant Server 0.00008.
gnomAD v4.1: 63 of 1,613,818 alleles (0.0039%); highest among the groups gnomAD compares: Non-Finnish European, 0.0044%; no homozygotes.

Submissions (3):

GeneDx
Classification: Uncertain significance. Last evaluated: 2025-04-21. Review status: criteria provided, single submitter. Criteria: GeneDx Variant Classification Process June 2021. Collection method: clinical testing. Allele origin: germline.
Comment: In silico analysis indicates that this missense variant does not alter protein structure/function; Has not been previously published as pathogenic or benign to our knowledge; This variant is associated with the following publications: (PMID: 22973298, 35949786, 16959974)

Labcorp Genetics (formerly Invitae), Labcorp
Classification: Uncertain significance. Last evaluated: 2022-10-24. Review status: criteria provided, single submitter. Criteria: Invitae Variant Classification Sherloc (09022015). Collection method: clinical testing. Allele origin: germline.
Comment: This sequence change replaces glycine, which is neutral and non-polar, with aspartic acid, which is acidic and polar, at codon 153 of the POLH protein (p.Gly153Asp). This variant is present in population databases (rs367709714, gnomAD 0.003%). This variant has not been reported in the literature in individuals affected with POLH-related conditions. ClinVar contains an entry for this variant (Variation ID: 908774). Algorithms developed to predict the effect of missense changes on protein structure and function (SIFT, PolyPhen-2, Align-GVGD) all suggest that this variant is likely to be tolerated. In summary, the available evidence is currently insufficient to determine the role of this variant in disease. Therefore, it has been classified as a Variant of Uncertain Significance.

Illumina Laboratory Services, Illumina
Classification: Uncertain significance for Xeroderma pigmentosum variant type. Last evaluated: 2017-04-27. Review status: criteria provided, single submitter. Criteria: ICSL Variant Classification Criteria 13 December 2019. Collection method: clinical testing. Allele origin: germline.